The following is an entry in ClinVar:

ClinVar aggregate classification (germline): Benign (1 of 4 stars; one submission).

Allele frequency attached by ClinVar (database versions not stated): 1000 Genomes Project 0.35323; 1000 Genomes Project 30x 0.35431; gnomAD 0.36225 and 0.36576; TOPMed 0.36636.
gnomAD v4.1: 55,116 of 151,952 alleles (36%); highest among the groups gnomAD compares: African/African-American, 45%; 10,330 homozygotes.

Submissions (5):

GeneDx
Classification: Benign. Last evaluated: 2018-06-14. Review status: criteria provided, single submitter. Criteria: GeneDx Variant Classification (06012015). Collection method: clinical testing. Allele origin: germline. Affected: yes.
Comment: This variant is considered likely benign or benign based on one or more of the following criteria: it is a conservative change, it occurs at a poorly conserved position in the protein, it is predicted to be benign by multiple in silico algorithms, and/or has population frequency not consistent with disease.

Dr. Peter K. Rogan Lab, Western University
No classification provided (evidence only). Condition: Lung cancer. Review status: no classification provided. Collection method: in vitro. Allele origin: not applicable. Functional consequence: retained intron. Not counted in ClinVar's aggregate classification.

Dr. Peter K. Rogan Lab, Western University
No classification provided (evidence only). Condition: Lung cancer. Review status: no classification provided. Collection method: in vitro. Allele origin: not applicable. Functional consequence: retained intron. Not counted in ClinVar's aggregate classification.

Dr. Peter K. Rogan Lab, Western University
No classification provided (evidence only). Condition: Gastric cancer. Review status: no classification provided. Collection method: in vitro. Allele origin: not applicable. Functional consequence: retained intron. Not counted in ClinVar's aggregate classification.

Dr. Peter K. Rogan Lab, Western University
No classification provided (evidence only). Condition: Gastric cancer. Review status: no classification provided. Collection method: in vitro. Allele origin: not applicable. Functional consequence: retained intron. Not counted in ClinVar's aggregate classification.

NM_206933.4(USH2A):c.10585+211A>G

Gene: USH2A (usherin; minus strand). Cytogenetic location: 1q41.
Variant type: single nucleotide variant.
Coding change: c.10585+211A>G on transcript NM_206933.4 (MANE Select); 211 bases into the intron after coding-DNA position 10585, A replaced by G.
Molecular consequence: intron variant.
Genome position (GRCh38, 1-based): chr1:215,782,527, T>C on the plus strand (A>G on the coding strand, the complement: USH2A is on the minus strand). VCF-style: chr1-215782527-T-C. GRCh37 (hg19) VCF-style: chr1-215955869-T-C.
Other names: NC_000001.10:g.215955869T>C.
Identifiers: ClinVar variation 678885 (VCV000678885.2), dbSNP rs12122550, ClinGen allele CA10751678.